The following is an entry in ClinVar:

NM_007194.4(CHEK2):c.1436A>T (p.Glu479Val)

Gene: CHEK2 (checkpoint kinase 2; minus strand). Cytogenetic location: 22q12.1.
Variant type: single nucleotide variant.
Coding change: c.1436A>T on transcript NM_007194.4 (MANE Select); coding-DNA position 1436, A replaced by T.
Protein change: p.Glu479Val; replaces glutamic acid 479 with valine.
Molecular consequence: missense variant.
Genome position (GRCh38, 1-based): chr22:28,694,057, T>A on the plus strand (A>T on the coding strand, the complement: CHEK2 is on the minus strand). VCF-style: chr22-28694057-T-A. GRCh37 (hg19) VCF-style: chr22-29090045-T-A.
Other names: c.1565A>T, p.Glu522Val (NM_001005735.3); c.773A>T, p.Glu258Val (NM_001257387.3); c.1235A>T, p.Glu412Val (NM_001349956.3); c.1349A>T, p.Glu450Val (NM_145862.3); short protein forms E258V, E412V, E450V, E479V, E522V.
Identifiers: ClinVar variation 1056466 (VCV001056466.10), dbSNP rs1464731405, ClinGen allele CA411094149.

ClinVar aggregate classification (germline): Uncertain significance (1 of 4 stars; one submission).

Conditions:
Familial cancer of breast. Also called: BREAST CANCER, FAMILIAL; Hereditary breast cancer; hereditary breast carcinoma. Identifiers: Orphanet 227535, MedGen C0346153, MONDO:0016419, OMIM 114480. Disease mechanism: loss of function.

Submission:

Labcorp Genetics (formerly Invitae), Labcorp
Classification: Uncertain significance for Familial cancer of breast. Last evaluated: 2020-06-22. Review status: criteria provided, single submitter. Criteria: Invitae Variant Classification Sherloc (09022015). Collection method: clinical testing. Allele origin: germline.
Comment: This variant is not present in population databases (ExAC no frequency). This sequence change replaces glutamic acid with valine at codon 479 of the CHEK2 protein (p.Glu479Val). The glutamic acid residue is highly conserved and there is a moderate physicochemical difference between glutamic acid and valine. This variant has not been reported in the literature in individuals with CHEK2-related conditions. In summary, the available evidence is currently insufficient to determine the role of this variant in disease. Therefore, it has been classified as a Variant of Uncertain Significance. Algorithms developed to predict the effect of missense changes on protein structure and function are either unavailable or do not agree on the potential impact of this missense change (SIFT: "Deleterious"; PolyPhen-2: "Benign"; Align-GVGD: "Class C0").